The following is an entry in ClinVar:

ClinVar aggregate classification (germline): Uncertain significance (1 of 4 stars; one submission).

Allele frequency attached by ClinVar (database versions not stated): gnomAD exomes below 0.00001 and 0.00001; gnomAD 0.00002; TOPMed 0.00004.
gnomAD v4.1: 25 of 1,614,078 alleles (0.0015%); highest among the groups gnomAD compares: African/African-American, 0.0067%; no homozygotes.

Submission:

Labcorp Genetics (formerly Invitae), Labcorp
Classification: Uncertain significance. Last evaluated: 2022-10-17. Review status: criteria provided, single submitter. Criteria: Invitae Variant Classification Sherloc (09022015). Collection method: clinical testing. Allele origin: germline.
Comment: In summary, the available evidence is currently insufficient to determine the role of this variant in disease. Therefore, it has been classified as a Variant of Uncertain Significance. Advanced modeling of protein sequence and biophysical properties (such as structural, functional, and spatial information, amino acid conservation, physicochemical variation, residue mobility, and thermodynamic stability) performed at Invitae indicates that this missense variant is not expected to disrupt FERMT1 protein function. ClinVar contains an entry for this variant (Variation ID: 1363514). This variant has not been reported in the literature in individuals affected with FERMT1-related conditions. This variant is present in population databases (no rsID available, gnomAD 0.007%). This sequence change replaces asparagine, which is neutral and polar, with serine, which is neutral and polar, at codon 661 of the FERMT1 protein (p.Asn661Ser).

NM_017671.5(FERMT1):c.1982A>G (p.Asn661Ser)

Gene: FERMT1 (FERM domain containing kindlin 1; minus strand). Cytogenetic location: 20p12.3.
Variant type: single nucleotide variant.
Coding change: c.1982A>G on transcript NM_017671.5 (MANE Select); coding-DNA position 1982, A replaced by G.
Protein change: p.Asn661Ser; replaces asparagine 661 with serine.
Molecular consequence: missense variant.
Genome position (GRCh38, 1-based): chr20:6,077,225, T>C on the plus strand (A>G on the coding strand, the complement: FERMT1 is on the minus strand). VCF-style: chr20-6077225-T-C. GRCh37 (hg19) VCF-style: chr20-6057872-T-C.
Other names: short protein forms N661S.
Identifiers: ClinVar variation 1363514 (VCV001363514.6), dbSNP rs1357570688, ClinGen allele CA408175456.
Genomic context (GRCh38, chr20:6,077,225, plus strand): 5'-TGCTTGTTTCAATCCTGACCGCCGGTCAATTTGTGGAACAAGTCCTCATCGAGTGTTTCA[T>C]TCTGGTCCTTGGAGCGGGTGGACAAGAAAATGTAGCCGCCAATGTACTCGTGCACAATCT-3'
Protein context (NP_060141.3, residues 651-671): IFLSTRSKDQ[Asn661Ser]ETLDEDLFHK